The following is an entry in ClinVar:

ClinVar aggregate classification (germline): Uncertain significance. Review status: criteria provided, multiple submitters, no conflicts (2 of 4 stars). 2 submissions from 2 submitters: Uncertain significance (2). Last evaluated 2025-08-12.

Conditions:
Inborn genetic diseases. Identifiers: MedGen C0950123, MeSH D030342.

Allele frequency attached by ClinVar (database versions not stated): TOPMed 0.00003; gnomAD 0.00004; gnomAD exomes 0.00004; ESP Exome Variant Server 0.00022.
gnomAD v4.1: 63 of 1,551,176 alleles (0.0041%); highest among the groups gnomAD compares: Non-Finnish European, 0.0047%; no homozygotes.

Submissions (2):

Ambry Genetics
Classification: Uncertain significance for Inborn genetic diseases. Last evaluated: 2025-08-12. Review status: criteria provided, single submitter. Criteria: Ambry Variant Classification Scheme 2023. Collection method: clinical testing. Allele origin: germline.

Labcorp Genetics (formerly Invitae), Labcorp
Classification: Uncertain significance. Last evaluated: 2024-09-01. Review status: criteria provided, single submitter. Criteria: Invitae Variant Classification Sherloc (09022015). Collection method: clinical testing. Allele origin: germline.
Comment: This sequence change replaces tyrosine, which is neutral and polar, with histidine, which is basic and polar, at codon 752 of the ZSWIM6 protein (p.Tyr752His). This variant is present in population databases (rs374590409, gnomAD 0.006%). This variant has not been reported in the literature in individuals affected with ZSWIM6-related conditions. Invitae Evidence Modeling of protein sequence and biophysical properties (such as structural, functional, and spatial information, amino acid conservation, physicochemical variation, residue mobility, and thermodynamic stability) indicates that this missense variant is not expected to disrupt ZSWIM6 protein function with a negative predictive value of 80%. In summary, the available evidence is currently insufficient to determine the role of this variant in disease. Therefore, it has been classified as a Variant of Uncertain Significance.

NM_020928.2(ZSWIM6):c.2254T>C (p.Tyr752His)

Gene: ZSWIM6 (zinc finger SWIM-type containing 6; plus strand). Cytogenetic location: 5q12.1.
Variant type: single nucleotide variant.
Coding change: c.2254T>C on transcript NM_020928.2 (MANE Select); coding-DNA position 2254, T replaced by C.
Protein change: p.Tyr752His; replaces tyrosine 752 with histidine.
Molecular consequence: missense variant.
Genome position (GRCh38, 1-based): chr5:61,535,492, T>C. VCF-style: chr5-61535492-T-C. GRCh37 (hg19) VCF-style: chr5-60831319-T-C.
Other names: c.2254T>C (NM_020928.1); short protein forms Y752H.
Identifiers: ClinVar variation 2887103 (VCV002887103.4), dbSNP rs374590409, ClinGen allele CA119663427.
Genomic context (GRCh38, chr5:61,535,492, plus strand): 5'-AGTGTTAGTTCATTTTTTAGGAACGTAAAATGTGTATGCTCTCTTCCCACAGCCGGACCA[T>C]ATAGTGGTTTAGGTGAAATAATCCATCGGGAGAGCGTTCCAATGCACACATTTGCCAAGT-3'
Protein context (NP_065979.1, residues 742-762): QAVFLLEAGP[Tyr752His]SGLGEIIHRE